The following is an entry in ClinVar:

NM_022370.4(ROBO3):c.196A>C (p.Ile66Leu)

Gene: ROBO3 (roundabout guidance receptor 3; plus strand). Cytogenetic location: 11q24.2.
Variant type: single nucleotide variant.
Coding change: c.196A>C on transcript NM_022370.4 (MANE Select); coding-DNA position 196, A replaced by C.
Protein change: p.Ile66Leu; replaces isoleucine 66 with leucine.
Molecular consequence: missense variant.
Genome position (GRCh38, 1-based): chr11:124,868,837, A>C. VCF-style: chr11-124868837-A-C. GRCh37 (hg19) VCF-style: chr11-124738733-A-C.
Other names: short protein forms I66L.
Identifiers: ClinVar variation 2180 (VCV000002180.3), dbSNP rs121918276, ClinGen allele CA115390.

ClinVar aggregate classification (germline): Likely pathogenic. Review status: criteria provided, single submitter (1 of 4 stars). 2 submissions from 2 submitters: Likely pathogenic (1). 1 of the submissions does not count toward it. Last evaluated 2021-01-09.

Conditions:
Gaze palsy, familial horizontal, with progressive scoliosis 1 (HGPPS1). Identifiers: Orphanet 2744, MedGen C4551964, MONDO:0020790, OMIM 607313.

Submissions (2):

Institute of Human Genetics, University of Leipzig Medical Center
Classification: Likely pathogenic for Gaze palsy, familial horizontal, with progressive scoliosis 1. Last evaluated: 2021-01-09. Review status: criteria provided, single submitter. Criteria: ACMG Guidelines, 2015. Collection method: curation. Allele origin: germline. Inheritance: Autosomal recessive inheritance. Affected: yes.
Comment: This ROBO3 variant was reported as Pathogenicâ€‹ in PMID: 15105459 with original nomenclature reported as 196A>C, I66L. Variant was re-classified as Likely Pathogenic based on the criteria PM1_Moderate, PM2_Supporting, PM3_Moderate, PP3_Supporting, PP4_Supporting.

OMIM
Classification: Pathogenic for GAZE PALSY, FAMILIAL HORIZONTAL, WITH PROGRESSIVE SCOLIOSIS 1. Last evaluated: 2004-06-04. Review status: no assertion criteria provided. Collection method: literature only. Allele origin: germline. Not counted in ClinVar's aggregate classification.

Literature cited by the submitters: PubMed 15105459 (cited by Institute of Human Genetics, University of Leipzig Medical Center and OMIM).